The following is an entry in ClinVar:

ClinVar aggregate classification (germline): Uncertain significance (1 of 4 stars; one submission).

Submission:

Labcorp Genetics (formerly Invitae), Labcorp
Classification: Uncertain significance. Last evaluated: 2022-06-13. Review status: criteria provided, single submitter. Criteria: Invitae Variant Classification Sherloc (09022015). Collection method: clinical testing. Allele origin: germline.
Comment: This sequence change falls in intron 5 of the LAT gene. It does not directly change the encoded amino acid sequence of the LAT protein. It affects a nucleotide within the consensus splice site. This variant is present in population databases (rs748200927, gnomAD 0.03%). This variant has not been reported in the literature in individuals affected with LAT-related conditions. Variants that disrupt the consensus splice site are a relatively common cause of aberrant splicing (PMID: 17576681, 9536098). Algorithms developed to predict the effect of sequence changes on RNA splicing suggest that this variant is not likely to affect RNA splicing. In summary, the available evidence is currently insufficient to determine the role of this variant in disease. Therefore, it has been classified as a Variant of Uncertain Significance.

Literature cited by the submitters: PubMed 17576681; PubMed 9536098.

NC_000016.10:g.28986443GGT[3]

Gene: LAT (linker for activation of T cells; plus strand). Cytogenetic location: 16p11.2.
Variant type: Microsatellite.
Genome position: GRCh38 VCF-style: chr16-28986441-A-ATGG. GRCh37 (hg19) VCF-style: chr16-28997762-A-ATGG.
Identifiers: ClinVar variation 1990826 (VCV001990826.2), dbSNP rs748200927, ClinGen allele CA7989932.
Genomic context (GRCh38, chr16:28,986,441, plus strand): 5'-GAAGATCCCCGCAGCCCCTTGGGGGCTCCCACCGGACGCCATCTTCCCGGCGGGATTCTG[A>ATGG]TGGTGGTAAGTGTGGGGAAGGGTTCAGGCGGCGGGGGCTGGGAAGAAGATAGGCCTGGCC-3'